The following is an entry in ClinVar:

ClinVar aggregate classification (germline): Conflicting classifications of pathogenicity. Review status: criteria provided, conflicting classifications (1 of 4 stars). 3 submissions from 3 submitters: Uncertain significance (1); Likely benign (2). Last evaluated 2025-03-27.

Conditions:
Inborn genetic diseases. Identifiers: MedGen C0950123, MeSH D030342.

Allele frequency attached by ClinVar (database versions not stated): TOPMed 0.00002; gnomAD exomes 0.00005; gnomAD 0.00006 and 0.00007; ExAC 0.00008; ESP Exome Variant Server 0.00015; 1000 Genomes Project 30x 0.00016; 1000 Genomes Project 0.00020.
gnomAD v4.1: 50 of 1,614,138 alleles (0.0031%); highest among the groups gnomAD compares: South Asian, 0.014%; no homozygotes.

Submissions (3):

Labcorp Genetics (formerly Invitae), Labcorp
Classification: Likely benign. Last evaluated: 2025-03-27. Review status: criteria provided, single submitter. Criteria: Invitae Variant Classification Sherloc (09022015). Collection method: clinical testing. Allele origin: germline.

Ambry Genetics
Classification: Likely benign for Inborn genetic diseases. Last evaluated: 2024-05-07. Review status: criteria provided, single submitter. Criteria: Ambry Variant Classification Scheme 2023. Collection method: clinical testing. Allele origin: germline.

GeneDx
Classification: Uncertain significance. Last evaluated: 2021-06-04. Review status: criteria provided, single submitter. Criteria: GeneDx Variant Classification Process June 2021. Collection method: clinical testing. Allele origin: germline. Affected: yes.
Comment: In silico analysis supports that this missense variant does not alter protein structure/function; Has not been previously published as pathogenic or benign to our knowledge; This variant is associated with the following publications: (PMID: 27535533)

NM_005422.4(TECTA):c.841G>A (p.Val281Ile)

Genes: TBCEL-TECTA (TBCEL-TECTA readthrough; plus strand), TECTA (tectorin alpha; plus strand). Cytogenetic location: 11q23.3.
Variant type: single nucleotide variant.
Coding change: c.841G>A on transcript NM_005422.4 (MANE Select); coding-DNA position 841, G replaced by A.
Protein change: p.Val281Ile; replaces valine 281 with isoleucine.
Molecular consequence: missense variant.
Genome position (GRCh38, 1-based): chr11:121,118,356, G>A. VCF-style: chr11-121118356-G-A. GRCh37 (hg19) VCF-style: chr11-120989065-G-A.
Other names: c.1798G>A, p.Val600Ile (NM_001378761.1); short protein forms V281I, V600I.
Identifiers: ClinVar variation 1327217 (VCV001327217.7), dbSNP rs142205703, ClinGen allele CA6326624.